The following is an entry in ClinVar:

NM_003036.4(SKI):c.304G>A (p.Glu102Lys)

Gene: SKI (SKI proto-oncogene; plus strand). Cytogenetic location: 1p36.33.
Variant type: single nucleotide variant.
Coding change: c.304G>A on transcript NM_003036.4 (MANE Select); coding-DNA position 304, G replaced by A.
Protein change: p.Glu102Lys; replaces glutamic acid 102 with lysine.
Molecular consequence: missense variant.
Genome position (GRCh38, 1-based): chr1:2,229,070, G>A. VCF-style: chr1-2229070-G-A. GRCh37 (hg19) VCF-style: chr1-2160509-G-A.
Other names: short protein forms E102K.
Identifiers: ClinVar variation 1017638 (VCV001017638.10), dbSNP rs1638570854, ClinGen allele CA337952510.

ClinVar aggregate classification (germline): Uncertain significance. Review status: criteria provided, multiple submitters, no conflicts (2 of 4 stars). 2 submissions from 2 submitters: Uncertain significance (2). Last evaluated 2022-10-02.

Conditions:
Shprintzen-Goldberg syndrome (SGS). Also called: SHPRINTZEN-GOLDBERG CRANIOSYNOSTOSIS SYNDROME; CRANIOSYNOSTOSIS WITH ARACHNODACTYLY AND ABDOMINAL HERNIAS; Marfanoid disorder with craniosynostosis type 1; Marfanoid craniosynostosis syndrome; Shprintzen-Goldberg marfanoid syndrome. Identifiers: Orphanet 2462, MedGen C1321551, MONDO:0008426, OMIM 182212.
Familial thoracic aortic aneurysm and aortic dissection (TAAD). Also called: Thoracic aortic aneurysms and dissections. Identifiers: Orphanet 91387, MedGen C4707243, MONDO:0019625.

Allele frequency attached by ClinVar (database versions not stated): gnomAD exomes below 0.00001.

Submissions (2):

Labcorp Genetics (formerly Invitae), Labcorp
Classification: Uncertain significance for Shprintzen-Goldberg syndrome. Last evaluated: 2022-10-02. Review status: criteria provided, single submitter. Criteria: Invitae Variant Classification Sherloc (09022015). Collection method: clinical testing. Allele origin: germline.
Comment: This sequence change replaces glutamic acid, which is acidic and polar, with lysine, which is basic and polar, at codon 102 of the SKI protein (p.Glu102Lys). In summary, the available evidence is currently insufficient to determine the role of this variant in disease. Therefore, it has been classified as a Variant of Uncertain Significance. This variant is not present in population databases (gnomAD no frequency). This variant has not been reported in the literature in individuals affected with SKI-related conditions. ClinVar contains an entry for this variant (Variation ID: 1017638). Advanced modeling of protein sequence and biophysical properties (such as structural, functional, and spatial information, amino acid conservation, physicochemical variation, residue mobility, and thermodynamic stability) has been performed at Invitae for this missense variant, however the output from this modeling did not meet the statistical confidence thresholds required to predict the impact of this variant on SKI protein function.

Ambry Genetics
Classification: Uncertain significance for Familial thoracic aortic aneurysm and aortic dissection. Last evaluated: 2022-08-17. Review status: criteria provided, single submitter. Criteria: Ambry Variant Classification Scheme 2023. Collection method: clinical testing. Allele origin: germline.
Comment: The p.E102K variant (also known as c.304G>A), located in coding exon 1 of the SKI gene, results from a G to A substitution at nucleotide position 304. The glutamic acid at codon 102 is replaced by lysine, an amino acid with similar properties. This amino acid position is conserved. In addition, the in silico prediction for this alteration is inconclusive. Since supporting evidence is limited at this time, the clinical significance of this alteration remains unclear.